The following is an entry in ClinVar:

ClinVar aggregate classification (germline): Uncertain significance (1 of 4 stars; one submission).

Conditions:
Hajdu-Cheney syndrome (HJCYS). Also called: Acroosteolysis dominant type; SERPENTINE FIBULA-POLYCYSTIC KIDNEY SYNDROME; ACROOSTEOLYSIS WITH OSTEOPOROSIS AND CHANGES IN SKULL AND MANDIBLE. Identifiers: Orphanet 955, MedGen C0917715, MONDO:0007057, OMIM 102500.

gnomAD v4.1: 3 of 1,613,888 alleles (0.00019%); highest among the groups gnomAD compares: South Asian, 0.0033%; no homozygotes.

Submission:

Labcorp Genetics (formerly Invitae), Labcorp
Classification: Uncertain significance for Hajdu-Cheney syndrome. Last evaluated: 2025-11-16. Review status: criteria provided, single submitter. Criteria: Invitae Variant Classification Sherloc (09022015). Collection method: clinical testing. Allele origin: germline.
Comment: This sequence change replaces glutamine, which is neutral and polar, with arginine, which is basic and polar, at codon 2196 of the NOTCH2 protein (p.Gln2196Arg). This variant is not present in population databases (gnomAD no frequency). This variant has not been reported in the literature in individuals affected with NOTCH2-related conditions. ClinVar contains an entry for this variant (Variation ID: 3680143). Invitae Evidence Modeling of protein sequence and biophysical properties (such as structural, functional, and spatial information, amino acid conservation, physicochemical variation, residue mobility, and thermodynamic stability) indicates that this missense variant is not expected to disrupt NOTCH2 protein function with a negative predictive value of 95%. In summary, the available evidence is currently insufficient to determine the role of this variant in disease. Therefore, it has been classified as a Variant of Uncertain Significance.

NM_024408.4(NOTCH2):c.6587A>G (p.Gln2196Arg)

Gene: NOTCH2 (notch receptor 2; minus strand). Cytogenetic location: 1p12.
Variant type: single nucleotide variant.
Coding change: c.6587A>G on transcript NM_024408.4 (MANE Select); coding-DNA position 6587, A replaced by G.
Protein change: p.Gln2196Arg; replaces glutamine 2196 with arginine.
Molecular consequence: missense variant.
Genome position (GRCh38, 1-based): chr1:119,916,135, T>C on the plus strand (A>G on the coding strand, the complement: NOTCH2 is on the minus strand). VCF-style: chr1-119916135-T-C. GRCh37 (hg19) VCF-style: chr1-120458758-T-C.
Other names: short protein forms Q2196R.
Identifiers: ClinVar variation 3680143 (VCV003680143.2).